The following is an entry in ClinVar:

ClinVar aggregate classification (germline): Likely pathogenic. Review status: criteria provided, multiple submitters, no conflicts (2 of 4 stars). 2 submissions from 2 submitters: Likely pathogenic (2). Last evaluated 2025-05-23.

Conditions:
Cardiovascular phenotype. Identifiers: MedGen CN230736.
Dilated cardiomyopathy 1G (CMD1G). Identifiers: Orphanet 154, MedGen C1858763, MONDO:0011400, OMIM 604145.
Autosomal recessive limb-girdle muscular dystrophy type 2J (LGMDR10). Also called: Limb-girdle muscular dystrophy, type 2J; MUSCULAR DYSTROPHY, LIMB-GIRDLE, AUTOSOMAL RECESSIVE 10. Identifiers: Orphanet 140922, MedGen C1837342, MONDO:0012127, OMIM 608807.

Submissions (2):

Ambry Genetics
Classification: Likely pathogenic for Cardiovascular phenotype. Last evaluated: 2025-05-23. Review status: criteria provided, single submitter. Criteria: Ambry Variant Classification Scheme 2023. Collection method: clinical testing. Allele origin: germline.
Comment: The c.46124delT variant, located in coding exon 153 of the TTN gene, results from a deletion of one nucleotide at nucleotide position 46124, causing a translational frameshift with a predicted alternate stop codon (p.I15375Kfs*7). This exon is located in the A-band region of the N2-B isoform of the titin protein and is constitutively expressed in TTN transcripts (percent spliced in or PSI 100%). This variant is considered to be rare based on population cohorts in the Genome Aggregation Database (gnomAD). This variant is expected to result in loss of function by premature protein truncation or nonsense-mediated mRNA decay. While truncating variants in TTN are present in 1-3% of the general population, truncating variants in the A-band are the most common cause of dilated cardiomyopathy (Herman DS et al. N. Engl. J. Med., 2012 Feb;366:619-28; Roberts AM et al. Sci Transl Med, 2015 Jan;7:270ra6). TTN truncating variants encoded in constitutive exons (PSI >90%) have been found to be significantly associated with DCM regardless of their position in titin (Schafer S et al. Nat. Genet., 2017 01;49:46-53; Akhtar MM et al. Circ Heart Fail, 2020 Oct;13:e006832; Massier M et al. Clin Genet, 2025 Jan). Based on the majority of available evidence to date, this variant is likely to be pathogenic.

Labcorp Genetics (formerly Invitae), Labcorp
Classification: Likely pathogenic for Dilated cardiomyopathy 1G; Autosomal recessive limb-girdle muscular dystrophy type 2J. Last evaluated: 2025-05-13. Review status: criteria provided, single submitter. Criteria: Invitae Variant Classification Sherloc (09022015). Collection method: clinical testing. Allele origin: germline.
Comment: This sequence change creates a premature translational stop signal (p.Ile24440Lysfs*7) in the TTN gene. While this is not anticipated to result in nonsense mediated decay, it is expected to create a truncated TTN protein. This variant is not present in population databases (gnomAD no frequency). This variant has not been reported in the literature in individuals affected with TTN-related conditions. This variant is located in the A band of TTN (PMID: 25589632). Truncating variants in this region are significantly overrepresented in patients affected with dilated cardiomyopathy (PMID: 25589632). Truncating variants in this region have also been reported in individuals affected with autosomal recessive centronuclear myopathy (PMID: 23975875). In summary, the currently available evidence indicates that the variant is pathogenic, but additional data are needed to prove that conclusively. Therefore, this variant has been classified as Likely Pathogenic.

Literature cited by the submitters: PubMed 25589632 (cited by Labcorp Genetics (formerly Invitae), Labcorp); PubMed 23975875 (cited by Labcorp Genetics (formerly Invitae), Labcorp).

NM_001267550.2(TTN):c.73319del (p.Ile24440fs)

Genes: TTN (titin; minus strand), TTN-AS1 (TTN antisense RNA 1; plus strand). Cytogenetic location: 2q31.2.
Variant type: Deletion.
Coding change: c.73319del on transcript NM_001267550.2 (MANE Select); coding-DNA position 73319, one base deleted (T; older notation c.73319delT).
Protein change: p.Ile24440fs; shifts the reading frame from isoleucine 24440.
Molecular consequence: frameshift variant.
Genome position (GRCh38, 1-based): chr2:178,572,813, A deleted on the plus strand (T on the coding strand, the reverse complement: TTN is on the minus strand). VCF-style (leftmost placement, unchanged base first): chr2-178572812-TA-T. GRCh37 (hg19) VCF-style: chr2-179437539-TA-T.
Other names: c.46124delT (NM_003319.4); c.68396del, p.Ile22799fs (NM_001256850.1); c.46124del, p.Ile15375fs (NM_003319.4); c.65615del, p.Ile21872fs (NM_133378.4); c.46499del, p.Ile15500fs (NM_133432.3); c.46700del, p.Ile15567fs (NM_133437.4); short protein forms I15567fs, I24440fs, I15375fs, I21872fs, I15500fs, I22799fs.
Identifiers: ClinVar variation 3975838 (VCV003975838.2).